The following is an entry in ClinVar:

NM_001942.4(DSG1):c.725G>A (p.Arg242Gln)

Gene: DSG1 (desmoglein 1; plus strand). Cytogenetic location: 18q12.1.
Variant type: single nucleotide variant.
Coding change: c.725G>A on transcript NM_001942.4 (MANE Select); coding-DNA position 725, G replaced by A.
Protein change: p.Arg242Gln; replaces arginine 242 with glutamine.
Molecular consequence: missense variant.
Genome position (GRCh38, 1-based): chr18:31,333,629, G>A. VCF-style: chr18-31333629-G-A. GRCh37 (hg19) VCF-style: chr18-28913592-G-A.
Other names: short protein forms R242Q.
Identifiers: ClinVar variation 1902372 (VCV001902372.5), dbSNP rs1273612156, ClinGen allele CA402130178.

ClinVar aggregate classification (germline): Uncertain significance (1 of 4 stars; one submission).

Allele frequency attached by ClinVar (database versions not stated): gnomAD 0.00001; gnomAD exomes 0.00001; TOPMed 0.00001.
gnomAD v4.1: 11 of 1,613,738 alleles (0.00068%); highest among the groups gnomAD compares: South Asian, 0.0044%; no homozygotes.

Submission:

Labcorp Genetics (formerly Invitae), Labcorp
Classification: Uncertain significance. Last evaluated: 2025-03-27. Review status: criteria provided, single submitter. Criteria: Invitae Variant Classification Sherloc (09022015). Collection method: clinical testing. Allele origin: germline.
Comment: This sequence change replaces arginine, which is basic and polar, with glutamine, which is neutral and polar, at codon 242 of the DSG1 protein (p.Arg242Gln). This variant is present in population databases (no rsID available, gnomAD 0.01%). This variant has not been reported in the literature in individuals affected with DSG1-related conditions. ClinVar contains an entry for this variant (Variation ID: 1902372). Invitae Evidence Modeling of protein sequence and biophysical properties (such as structural, functional, and spatial information, amino acid conservation, physicochemical variation, residue mobility, and thermodynamic stability) indicates that this missense variant is not expected to disrupt DSG1 protein function with a negative predictive value of 80%. In summary, the available evidence is currently insufficient to determine the role of this variant in disease. Therefore, it has been classified as a Variant of Uncertain Significance.